The following is an entry in ClinVar:

NM_014243.3(ADAMTS3):c.655T>C (p.Tyr219His)

Gene: ADAMTS3 (ADAM metallopeptidase with thrombospondin type 1 motif 3; minus strand). Cytogenetic location: 4q13.3.
Variant type: single nucleotide variant.
Coding change: c.655T>C on transcript NM_014243.3 (MANE Select); coding-DNA position 655, T replaced by C.
Protein change: p.Tyr219His; replaces tyrosine 219 with histidine.
Molecular consequence: missense variant.
Genome position (GRCh38, 1-based): chr4:72,414,821, A>G on the plus strand (T>C on the coding strand, the complement: ADAMTS3 is on the minus strand). VCF-style: chr4-72414821-A-G. GRCh37 (hg19) VCF-style: chr4-73280538-A-G.
Other names: short protein forms Y219H.
Identifiers: ClinVar variation 3040722 (VCV003040722.3), dbSNP rs79141408, ClinGen allele CA2957205.

ClinVar aggregate classification (germline): Likely benign. Review status: criteria provided, single submitter (1 of 4 stars). 2 submissions from 2 submitters: Likely benign (1). 1 of the submissions does not count toward it. Last evaluated 2024-09-09.

Conditions:
ADAMTS3-related disorder. Also called: ADAMTS3-related condition.

Allele frequency attached by ClinVar (database versions not stated): gnomAD exomes 0.00054; gnomAD 0.00078; TOPMed 0.00080; ExAC 0.00167; 1000 Genomes Project 30x 0.00484; 1000 Genomes Project 0.00499.
gnomAD v4.1: 849 of 1,455,592 alleles (0.058%); highest among the groups gnomAD compares: East Asian, 2.1%; 7 homozygotes.

Submissions (2):

Blueprint Genetics
Classification: Likely benign. Last evaluated: 2024-09-09. Review status: criteria provided, single submitter. Criteria: ACMG Guidelines, 2015. Collection method: clinical testing. Allele origin: germline.

PreventionGenetics, part of Exact Sciences
Classification: Benign for ADAMTS3-related condition. Last evaluated: 2019-10-28. Review status: no assertion criteria provided. Collection method: clinical testing. Allele origin: germline. Not counted in ClinVar's aggregate classification.
Comment: This variant is classified as benign based on ACMG/AMP sequence variant interpretation guidelines (Richards et al. 2015 PMID: 25741868, with internal and published modifications).